The following is an entry in ClinVar:

ClinVar aggregate classification (germline): Uncertain significance (1 of 4 stars; one submission).

Conditions:
Ataxia-telangiectasia syndrome (AT). Also called: Ataxia-telangiectasia, complementation group D; AT, COMPLEMENTATION GROUP C; ATAXIA-TELANGIECTASIA, COMPLEMENTATION GROUP A; ATAXIA-TELANGIECTASIA, FRESNO VARIANT; Ataxia telangiectasia (A-T); Ataxia-telangiectasia. Identifiers: Orphanet 100, MedGen C0004135, MONDO:0008840, OMIM 208900.

Submission:

Labcorp Genetics (formerly Invitae), Labcorp
Classification: Uncertain significance for Ataxia-telangiectasia syndrome. Last evaluated: 2022-01-31. Review status: criteria provided, single submitter. Criteria: Invitae Variant Classification Sherloc (09022015). Collection method: clinical testing. Allele origin: germline.
Comment: In summary, the available evidence is currently insufficient to determine the role of this variant in disease. Therefore, it has been classified as a Variant of Uncertain Significance. Advanced modeling of protein sequence and biophysical properties (such as structural, functional, and spatial information, amino acid conservation, physicochemical variation, residue mobility, and thermodynamic stability) performed at Invitae indicates that this missense variant is not expected to disrupt ATM protein function. This variant has not been reported in the literature in individuals affected with ATM-related conditions. This variant is not present in population databases (gnomAD no frequency). This sequence change replaces lysine, which is basic and polar, with threonine, which is neutral and polar, at codon 1057 of the ATM protein (p.Lys1057Thr).

NM_000051.4(ATM):c.3170A>C (p.Lys1057Thr)

Gene: ATM (ATM serine/threonine kinase; plus strand). Cytogenetic location: 11q22.3.
Variant type: single nucleotide variant.
Coding change: c.3170A>C on transcript NM_000051.4 (MANE Select); coding-DNA position 3170, A replaced by C.
Protein change: p.Lys1057Thr; replaces lysine 1057 with threonine.
Molecular consequence: missense variant.
Genome position (GRCh38, 1-based): chr11:108,272,738, A>C. VCF-style: chr11-108272738-A-C. GRCh37 (hg19) VCF-style: chr11-108143465-A-C.
Other names: c.3170A>C, p.Lys1057Thr (NM_001351834.2); short protein forms K1057T.
Identifiers: ClinVar variation 2091270 (VCV002091270.4), dbSNP rs2497720801, ClinGen allele CA382515569.